The following is an entry in ClinVar:

ClinVar aggregate classification (germline): Uncertain significance (1 of 4 stars; one submission).

Conditions:
Hereditary cancer-predisposing syndrome. Also called: Neoplastic Syndromes, Hereditary; Tumor predisposition; Hereditary Cancer Syndrome; Hereditary neoplastic syndrome. Identifiers: Orphanet 140162, MedGen C0027672, MeSH D009386, MONDO:0015356.

Submission:

Ambry Genetics
Classification: Uncertain significance for Hereditary cancer-predisposing syndrome. Last evaluated: 2025-12-22. Review status: criteria provided, single submitter. Criteria: Ambry Variant Classification Scheme 2023. Collection method: clinical testing. Allele origin: germline.
Comment: The p.D326N variant (also known as c.976G>A), located in coding exon 10 of the RAD51D gene, results from a G to A substitution at nucleotide position 976. The aspartic acid at codon 326 is replaced by asparagine, an amino acid with highly similar properties. This amino acid position is conserved. In addition, this alteration is predicted to be tolerated by in silico analysis. Based on the available evidence, the clinical significance of this variant remains unclear.

NM_002878.4(RAD51D):c.976G>A (p.Asp326Asn)

Genes: RAD51D (RAD51 paralog D; minus strand), RAD51L3-RFFL (RAD51L3-RFFL readthrough; minus strand). Cytogenetic location: 17q12.
Variant type: single nucleotide variant.
Coding change: c.976G>A on transcript NM_002878.4 (MANE Select); coding-DNA position 976, G replaced by A.
Protein change: p.Asp326Asn; replaces aspartic acid 326 with asparagine.
Molecular consequence: missense variant. On other transcripts: non-coding transcript variant (2).
Genome position (GRCh38, 1-based): chr17:35,100,964, C>T on the plus strand (G>A on the coding strand, the complement: RAD51D is on the minus strand). VCF-style: chr17-35100964-C-T. GRCh37 (hg19) VCF-style: chr17-33427983-C-T.
Other names: c.640G>A, p.Asp214Asn (NM_133629.3); c.1036G>A, p.Asp346Asn (NM_001142571.2); short protein forms D214N, D346N, D326N.
Identifiers: ClinVar variation 4841999 (VCV004841999.1).